The following is an entry in ClinVar:

NM_001021.6(RPS17):c.1A>G (p.Met1Val)

Gene: RPS17 (ribosomal protein S17; minus strand). Cytogenetic location: 15q25.2.
Variant type: single nucleotide variant.
Coding change: c.1A>G on transcript NM_001021.6 (MANE Select); coding-DNA position 1, A replaced by G.
Protein change: p.Met1Val; changes the start codon (methionine 1).
Molecular consequence: missense variant, initiator codon variant. On other transcripts: non-coding transcript variant (2).
Genome position (GRCh38, 1-based): chr15:82,540,428, T>C on the plus strand (A>G on the coding strand, the complement: RPS17 is on the minus strand). VCF-style: chr15-82540428-T-C. GRCh37 (hg19) VCF-style: chr15-82824836-T-C.
Other names: short protein forms M1V.
Identifiers: ClinVar variation 1784170 (VCV001784170.6), dbSNP rs2548306778, ClinGen allele CA393409622.
Genomic context (GRCh38, chr15:82,540,428, plus strand): 5'-GGAAGCTGCAGATGGGGGACGATTGTGGAGGATGGCGGCCTCGAGCCAAAACACCTACCA[T>C]GTTGGCGGGTCCTTGGTAAAAGAGGAAACAGGAAGCACAGGCGAAGCCTGTTAAAGCTTA-3'
Protein context (NP_001012.1, residues 1-11): [Met1Val]GRVRTKTVKK

ClinVar aggregate classification (germline): Pathogenic/Likely pathogenic. Review status: criteria provided, multiple submitters, no conflicts (2 of 4 stars). 3 submissions from 3 submitters: Pathogenic (1); Likely pathogenic (1). 1 of the submissions does not count toward it. Last evaluated 2024-07-10.

Conditions:
Diamond-Blackfan anemia. Also called: Blackfan Diamond syndrome; Aregenerative anemia chronic congenital; Red cell aplasia, pure hereditary; Congenital hypoplastic anemia; Aase syndrome. Identifiers: Orphanet 124, MedGen C1260899, MeSH D029503, MONDO:0015253, HP:0004810.
Diamond-Blackfan anemia 4 (DBA4). Also called: RPS17-Related Diamond-Blackfan Anemia. Identifiers: Orphanet 124, MedGen C2675860, MONDO:0012924, OMIM 612527.

Submissions (3):

3billion
Classification: Likely pathogenic for Diamond-Blackfan anemia 4. Last evaluated: 2024-07-10. Review status: criteria provided, single submitter. Criteria: ACMG Guidelines, 2015. Collection method: clinical testing. Allele origin: germline. Affected: yes.
Comment: The variant is not observed in the gnomAD v4.0.0 dataset. Predicted Consequence/Location: Start-lost: reinitiation of translation may occur at a downstream alternate start codon but still result in a loss or disruption of normal protein function as there have been pathogenic variants reported upstream of the alternate start codon. The variant has been previously reported as assumed (i.e. paternity and maternity not confirmed) de novo in at least one similarly affected unrelated individual (PMID: 19953637). The variant has been reported to be associated with RPS17 related disorder (ClinVar ID: VCV001784170). Therefore, this variant is classified as Likely pathogenic according to the recommendation of ACMG/AMP guideline.

Ambry Genetics
Classification: Pathogenic for Diamond-Blackfan anemia. Last evaluated: 2015-03-25. Review status: criteria provided, single submitter. Criteria: Ambry Variant Classification Scheme 2023. Collection method: clinical testing. Allele origin: germline.
Comment: The p.M1? pathogenic mutation (also known as c.1A>G), located in coding exon 1 of the RPS17 gene, results from an A to G substitution at nucleotide position 1. This alters the methionine residue at the initiation codon. This mutation has been described to occur de novo in an infant with a clinical diagnosis of Diamond Blackfan Anemia (Song MJ, Pediatr Blood Cancer 2010 Apr; 54(4):629-31). In addition to the clinical data presented in the literature, sequence variations that modify the initiation codon (ATG) are expected to result in either loss of translation initiation or N-terminal truncation, this alteration is interpreted as a disease-causing mutation (ACMG Recommendations for Standards for Interpretation and Reporting of Sequence Variations. Revision 2007. Genet Med. 2008;10:294).

Genetic Services Laboratory, University of Chicago
Classification: Likely pathogenic. Last evaluated: 2022-02-25. Review status: no assertion criteria provided. Collection method: clinical testing. Allele origin: germline. Affected: yes. Not counted in ClinVar's aggregate classification.
Comment: DNA sequence analysis of the RPS17 gene demonstrated a sequence change, c.1A>G, in exon 1 that impacts the initiator methionine of the RPS17 mRNA. This sequence change may result in an absent or abnormal transcript. This sequence change has been reported in an individual with a diagnosis of Diamond-Blackfan anemia and it was confirmed to be de novo (PMID: 19953637). Additionally, a different sequence change also impacting the initiation codon, c.2T>G, was identified as a de novo variant in a patient with Diamond-Blackfan anemia presenting as macrocytic anemia with increased activity of erythrocyte adenosine deaminase, short stature, facial dysmorphism, and a flat thenar eminence (PMID: 17647292). This sequence change has not been described in population databases such as ExAC and gnomAD. Based on these evidences, this sequence change is likely pathogenic, however functional studies have not been performed to prove this conclusively.

Literature cited by the submitters: PubMed 19953637 (cited by 3billion and Ambry Genetics).